The following is an entry in ClinVar:

NM_001367873.1(SOX6):c.626A>G (p.His209Arg)

Gene: SOX6 (SRY-box transcription factor 6; minus strand). Cytogenetic location: 11p15.2.
Variant type: single nucleotide variant.
Coding change: c.626A>G on transcript NM_001367873.1 (MANE Select); coding-DNA position 626, A replaced by G.
Protein change: p.His209Arg; replaces histidine 209 with arginine.
Molecular consequence: missense variant.
Genome position (GRCh38, 1-based): chr11:16,186,865, T>C on the plus strand (A>G on the coding strand, the complement: SOX6 is on the minus strand). VCF-style: chr11-16186865-T-C. GRCh37 (hg19) VCF-style: chr11-16208411-T-C.
Other names: c.626A>G, p.His209Arg (NM_001145819.2, NM_001367872.1, NM_017508.3 and 2 more transcripts); short protein forms H209R.
Identifiers: ClinVar variation 1690539 (VCV001690539.6), dbSNP rs887640142, ClinGen allele CA218351080.

ClinVar aggregate classification (germline): Uncertain significance. Review status: criteria provided, multiple submitters, no conflicts (2 of 4 stars). 3 submissions from 3 submitters: Uncertain significance (3). Last evaluated 2026-06-01.

Conditions:
Inborn genetic diseases. Identifiers: MedGen C0950123, MeSH D030342.

Allele frequency attached by ClinVar (database versions not stated): gnomAD exomes below 0.00001; TOPMed below 0.00001.
gnomAD v4.1: 2 of 1,613,900 alleles (0.00012%); highest among the groups gnomAD compares: Non-Finnish European, 0.00017%; no homozygotes.

Submissions (3):

CeGaT Center for Human Genetics Tuebingen
Classification: Uncertain significance. Last evaluated: 2026-06-01. Review status: criteria provided, single submitter. Criteria: CeGaT Center For Human Genetics Tuebingen Variant Classification Criteria Version 2. Collection method: clinical testing. Allele origin: germline. Affected: yes. Observed: 1 variant allele.
Comment: SOX6: PP3

Ambry Genetics
Classification: Uncertain significance for Inborn genetic diseases. Last evaluated: 2023-03-03. Review status: criteria provided, single submitter. Criteria: Ambry Variant Classification Scheme 2023. Collection method: clinical testing. Allele origin: germline.
Comment: The c.626A>G (p.H209R) alteration is located in exon 5 (coding exon 4) of the SOX6 gene. This alteration results from an A to G substitution at nucleotide position 626, causing the histidine (H) at amino acid position 209 to be replaced by an arginine (R). This variant was not reported in population-based cohorts in the Genome Aggregation Database (gnomAD). This amino acid position is highly conserved in available vertebrate species. This alteration is predicted to be deleterious by in silico analysis. Based on insufficient or conflicting evidence, the clinical significance of this alteration remains unclear.

Laboratorio de Genetica e Diagnostico Molecular, Hospital Israelita Albert Einstein
Classification: Uncertain significance. Last evaluated: 2022-01-12. Review status: criteria provided, single submitter. Criteria: ACMG Guidelines, 2015. Collection method: clinical testing. Allele origin: germline. Affected: yes.
Comment: ACMG classification criteria: PM2, PP3